The following is an entry in ClinVar:

ClinVar aggregate classification (germline): Pathogenic/Likely pathogenic. Review status: criteria provided, multiple submitters, no conflicts (2 of 4 stars). 6 submissions from 6 submitters: Pathogenic (2); Likely pathogenic (3). 1 of the submissions does not count toward it. Last evaluated 2025-11-03.

Conditions:
Meckel syndrome, type 4 (MKS4). Also called: MECKEL-GRUBER SYNDROME, TYPE 4. Identifiers: Orphanet 564, MedGen C1970161, MONDO:0012626, OMIM 611134.
Bardet-Biedl syndrome 14 (BBS14). Identifiers: Orphanet 110, MedGen C2673874, MONDO:0014442, OMIM 615991.
Joubert syndrome 5 (JBTS5). Identifiers: Orphanet 2318, MedGen C1857780, MONDO:0012432, OMIM 610188.
Leber congenital amaurosis 10 (LCA10). Identifiers: Orphanet 65, MedGen C1857821, MONDO:0012723, OMIM 611755.
Senior-Loken syndrome 6 (SLSN6). Identifiers: Orphanet 3156, MedGen C1857779, MONDO:0012433, OMIM 610189.
Leber congenital amaurosis (LCA). Also called: Leber's amaurosis. Identifiers: Orphanet 65, MedGen C0339527, MeSH D057130, MONDO:0018998.
CEP290-related ciliopathy. Also called: CEP290 ciliopathy. Identifiers: MedGen CN305601, MONDO:0100451.
CEP290-related disorder. Also called: CEP290-related condition; CEP290-related disorders. Identifiers: MedGen CN239314.
Meckel-Gruber syndrome. Also called: Dysencephalia splachnocystica; DYSENCEPHALIA SPLANCHNOCYSTICA; GRUBER SYNDROME. Identifiers: Orphanet 564, MedGen C0265215, MONDO:0018921.
Nephronophthisis. Also called: Juvenile Nephronophthisis. Identifiers: Orphanet 655, MedGen C0687120, MONDO:0019005, HP:0000090.
Joubert syndrome. Also called: Familial aplasia of the vermis; JOUBERT-BOLTSHAUSER SYNDROME. Identifiers: Orphanet 475, MedGen C5979921, MONDO:0018772.

Submissions (6):

Natera, Inc.
Classification: Likely pathogenic for Leber congenital amaurosis. Last evaluated: 2025-11-03. Review status: criteria provided, single submitter. Criteria: Natera Variant Classification Schema (03/2026). Collection method: clinical testing. Allele origin: germline.
Comment: The c.1750del variant in CEP290 is a frameshift variant predicted to shift the reading frame beginning at codon 584 and leads to a stop codon 6 codons downstream. This variant is expected to result in nonsense mediated decay, truncation, or a dysfunctional protein product. This variant is rare in the general population with a frequency below the threshold expected for the associated phenotype(s). Given the available evidence, this variant is classified as Likely Pathogenic.

Myriad Genetics, Inc.
Classification: Pathogenic for CEP290-related ciliopathy. Last evaluated: 2025-07-23. Review status: criteria provided, single submitter. Criteria: Myriad Autosomal Dominant, Autosomal Recessive and X-Linked Classification Criteria (2023). Collection method: clinical testing. Allele origin: unknown.
Comment: NM_025114.3(CEP290):c.1750delT(S584Lfs*6) is expected to be pathogenic in the context of CEP290-related disorders. This variant is predicted to lead to an abnormal or absent protein product due to the creation of a premature termination codon in CEP290, a gene where loss-of-function variants are known to be pathogenic. Please note: this variant was assessed in the context of healthy population screening.

Labcorp Genetics (formerly Invitae), Labcorp
Classification: Pathogenic for Joubert syndrome; Meckel-Gruber syndrome; Nephronophthisis. Last evaluated: 2025-01-07. Review status: criteria provided, single submitter. Criteria: Invitae Variant Classification Sherloc (09022015). Collection method: clinical testing. Allele origin: germline.
Comment: This sequence change creates a premature translational stop signal (p.Ser584Leufs*6) in the CEP290 gene. It is expected to result in an absent or disrupted protein product. Loss-of-function variants in CEP290 are known to be pathogenic (PMID: 16909394, 17345604, 20690115). This variant is present in population databases (rs780954447, gnomAD 0.001%). This variant has not been reported in the literature in individuals affected with CEP290-related conditions. ClinVar contains an entry for this variant (Variation ID: 1400998). Algorithms developed to predict the effect of sequence changes on RNA splicing suggest that this variant may disrupt the consensus splice site. For these reasons, this variant has been classified as Pathogenic.

Fulgent Genetics
Classification: Likely pathogenic for Joubert syndrome 5; Senior-Loken syndrome 6; Meckel syndrome, type 4; Leber congenital amaurosis 10; Bardet-Biedl syndrome 14. Last evaluated: 2024-04-03. Review status: criteria provided, single submitter. Criteria: ACMG Guidelines, 2015. Collection method: clinical testing. Allele origin: germline.

Baylor Genetics
Classification: Likely pathogenic for Bardet-Biedl syndrome 14. Last evaluated: 2024-01-03. Review status: criteria provided, single submitter. Criteria: ACMG Guidelines, 2015. Collection method: clinical testing. Allele origin: unknown.

PreventionGenetics, part of Exact Sciences
Classification: Likely pathogenic for CEP290-related condition. Last evaluated: 2024-01-08. Review status: no assertion criteria provided. Collection method: clinical testing. Allele origin: germline. Not counted in ClinVar's aggregate classification.
Comment: The CEP290 c.1750delT variant is predicted to result in a frameshift and premature protein termination (p.Ser584Leufs*6). To our knowledge, this variant has not been reported in the literature in individuals with CEP290-related disorders. This variant is reported in 0.0014% of alleles in individuals of European (Non-Finnish) descent in gnomAD. Frameshift variants in CEP290 are expected to be pathogenic. This variant is interpreted as likely pathogenic.

Literature cited by the submitters: PubMed 16909394 (cited by Labcorp Genetics (formerly Invitae), Labcorp); PubMed 17345604 (cited by Labcorp Genetics (formerly Invitae), Labcorp); PubMed 20690115 (cited by Labcorp Genetics (formerly Invitae), Labcorp).

NM_025114.4(CEP290):c.1750del (p.Ser584fs)

Gene: CEP290 (centrosomal protein 290; minus strand). Cytogenetic location: 12q21.32.
Variant type: Deletion.
Coding change: c.1750del on transcript NM_025114.4 (MANE Select); coding-DNA position 1750, one base deleted (T; older notation c.1750delT).
Protein change: p.Ser584fs; shifts the reading frame from serine 584.
Molecular consequence: frameshift variant.
Genome position (GRCh38, 1-based): chr12:88,117,107, A deleted on the plus strand (T on the coding strand, the reverse complement: CEP290 is on the minus strand); the first of 3 consecutive A bases (chr12:88,117,107-88,117,109); deleting any one gives the same sequence. VCF-style (leftmost placement, unchanged base first): chr12-88117106-GA-G. GRCh37 (hg19) VCF-style: chr12-88510883-GA-G.
Other names: c.1750delT (NM_025114.3); c.1750del (NM_025114.3); short protein forms S584fs.
Identifiers: ClinVar variation 1400998 (VCV001400998.11), dbSNP rs780954447, ClinGen allele CA6712480.